The following is an entry in ClinVar:

ClinVar aggregate classification (germline): Uncertain significance (1 of 4 stars; one submission).

Conditions:
Cardiovascular phenotype. Identifiers: MedGen CN230736.

Submission:

Ambry Genetics
Classification: Uncertain significance for Cardiovascular phenotype. Last evaluated: 2022-11-04. Review status: criteria provided, single submitter. Criteria: Ambry Variant Classification Scheme 2023. Collection method: clinical testing. Allele origin: germline.
Comment: The p.I514V variant (also known as c.1540A>G), located in coding exon 13 of the PTPN11 gene, results from an A to G substitution at nucleotide position 1540. The isoleucine at codon 514 is replaced by valine, an amino acid with highly similar properties. This amino acid position is conserved. In addition, the in silico prediction for this alteration is inconclusive. Since supporting evidence is limited at this time, the clinical significance of this alteration remains unclear.

NM_002834.5(PTPN11):c.1540A>G (p.Ile514Val)

Gene: PTPN11 (protein tyrosine phosphatase non-receptor type 11; plus strand). Cytogenetic location: 12q24.13.
Variant type: single nucleotide variant.
Coding change: c.1540A>G on transcript NM_002834.5 (MANE Select); coding-DNA position 1540, A replaced by G.
Protein change: p.Ile514Val; replaces isoleucine 514 with valine.
Molecular consequence: missense variant.
Genome position (GRCh38, 1-based): chr12:112,489,116, A>G. VCF-style: chr12-112489116-A-G. GRCh37 (hg19) VCF-style: chr12-112926920-A-G.
Other names: c.1552A>G, p.Ile518Val (NM_001330437.2); c.1537A>G, p.Ile513Val (NM_001374625.1); short protein forms I518V, I513V, I514V.
Identifiers: ClinVar variation 2453878 (VCV002453878.2), dbSNP rs2135916538, ClinGen allele CA386779958.